The following is an entry in ClinVar:

NM_005612.5(REST):c.1529C>T (p.Ser510Leu)

Gene: REST (RE1 silencing transcription factor; plus strand). Cytogenetic location: 4q12.
Variant type: single nucleotide variant.
Coding change: c.1529C>T on transcript NM_005612.5 (MANE Select); coding-DNA position 1529, C replaced by T.
Protein change: p.Ser510Leu; replaces serine 510 with leucine.
Molecular consequence: missense variant.
Genome position (GRCh38, 1-based): chr4:56,930,387, C>T. VCF-style: chr4-56930387-C-T. GRCh37 (hg19) VCF-style: chr4-57796553-C-T.
Other names: c.1529C>T, p.Ser510Leu (NM_001193508.2, NM_001363453.3); short protein forms S510L.
Identifiers: ClinVar variation 2798853 (VCV002798853.3), dbSNP rs2475849623, ClinGen allele CA357006823.

ClinVar aggregate classification (germline): Uncertain significance (1 of 4 stars; one submission).

Submission:

Labcorp Genetics (formerly Invitae), Labcorp
Classification: Uncertain significance. Last evaluated: 2023-04-24. Review status: criteria provided, single submitter. Criteria: Invitae Variant Classification Sherloc (09022015). Collection method: clinical testing. Allele origin: germline.
Comment: This variant has not been reported in the literature in individuals affected with REST-related conditions. This variant is not present in population databases (gnomAD no frequency). This sequence change replaces serine, which is neutral and polar, with leucine, which is neutral and non-polar, at codon 510 of the REST protein (p.Ser510Leu). An algorithm developed to predict the effect of missense changes on protein structure and function (PolyPhen-2) suggests that this variant is likely to be disruptive. In summary, the available evidence is currently insufficient to determine the role of this variant in disease. Therefore, it has been classified as a Variant of Uncertain Significance.